The following is an entry in ClinVar:

ClinVar aggregate classification (germline): Uncertain significance (1 of 4 stars; one submission).

Conditions:
Leigh syndrome (NULS). Also called: Leigh's syndrome; Subacute necrotizing encephalopathy; Necrotizing encephalopathy infantile subacute of Leigh; Leigh Disease; Leigh's necrotizing encephalopathy; Leigh's disease. Identifiers: Orphanet 506, MedGen C2931891, MONDO:0009723, OMIM 256000.

Submission:

Labcorp Genetics (formerly Invitae), Labcorp
Classification: Uncertain significance for Leigh syndrome. Last evaluated: 2022-11-08. Review status: criteria provided, single submitter. Criteria: Invitae Variant Classification Sherloc (09022015). Collection method: clinical testing. Allele origin: germline.
Comment: This sequence change replaces proline, which is neutral and non-polar, with serine, which is neutral and polar, at codon 215 of the SURF1 protein (p.Pro215Ser). This variant is not present in population databases (gnomAD no frequency). This variant has not been reported in the literature in individuals affected with SURF1-related conditions. Advanced modeling of protein sequence and biophysical properties (such as structural, functional, and spatial information, amino acid conservation, physicochemical variation, residue mobility, and thermodynamic stability) performed at Invitae indicates that this missense variant is not expected to disrupt SURF1 protein function. In summary, the available evidence is currently insufficient to determine the role of this variant in disease. Therefore, it has been classified as a Variant of Uncertain Significance.

NM_003172.4(SURF1):c.643C>T (p.Pro215Ser)

Gene: SURF1 (SURF1 cytochrome c oxidase assembly factor; minus strand). Cytogenetic location: 9q34.2.
Variant type: single nucleotide variant.
Coding change: c.643C>T on transcript NM_003172.4 (MANE Select); coding-DNA position 643, C replaced by T.
Protein change: p.Pro215Ser; replaces proline 215 with serine.
Molecular consequence: missense variant.
Genome position (GRCh38, 1-based): chr9:133,352,554, G>A on the plus strand (C>T on the coding strand, the complement: SURF1 is on the minus strand). VCF-style: chr9-133352554-G-A. GRCh37 (hg19) VCF-style: chr9-136219409-G-A.
Other names: c.316C>T, p.Pro106Ser (NM_001280787.1); short protein forms P215S, P106S.
Identifiers: ClinVar variation 2174096 (VCV002174096.3), dbSNP rs147165855, ClinGen allele CA375693829.